The following is an entry in ClinVar:

NM_000444.6(PHEX):c.286G>A (p.Glu96Lys)

Gene: PHEX (phosphate regulating endopeptidase X-linked; plus strand). Cytogenetic location: Xp22.11.
Variant type: single nucleotide variant.
Coding change: c.286G>A on transcript NM_000444.6 (MANE Select); coding-DNA position 286, G replaced by A.
Protein change: p.Glu96Lys; replaces glutamic acid 96 with lysine.
Molecular consequence: missense variant.
Genome position (GRCh38, 1-based): chrX:22,047,148, G>A. VCF-style: chrX-22047148-G-A. GRCh37 (hg19) VCF-style: chrX-22065266-G-A.
Other names: c.286G>A, p.Glu96Lys (NM_001282754.2); short protein forms E96K.
Identifiers: ClinVar variation 2972396 (VCV002972396.3), dbSNP rs149168023, ClinGen allele CA10368010.

ClinVar aggregate classification (germline): Uncertain significance (1 of 4 stars; one submission).

Allele frequency attached by ClinVar (database versions not stated): gnomAD exomes below 0.00001; ExAC 0.00001; TOPMed 0.00001; gnomAD 0.00002; ESP Exome Variant Server 0.00019.
gnomAD v4.1: 5 of 1,207,269 alleles (0.00041%); highest among the groups gnomAD compares: Non-Finnish European, 0.00056%; no homozygotes.

Submission:

Labcorp Genetics (formerly Invitae), Labcorp
Classification: Uncertain significance. Last evaluated: 2024-04-05. Review status: criteria provided, single submitter. Criteria: Invitae Variant Classification Sherloc (09022015). Collection method: clinical testing. Allele origin: germline.
Comment: This sequence change replaces glutamic acid, which is acidic and polar, with lysine, which is basic and polar, at codon 96 of the PHEX protein (p.Glu96Lys). This variant is present in population databases (rs149168023, gnomAD 0.002%). This variant has not been reported in the literature in individuals affected with PHEX-related conditions. Advanced modeling of protein sequence and biophysical properties (such as structural, functional, and spatial information, amino acid conservation, physicochemical variation, residue mobility, and thermodynamic stability) has been performed at Invitae for this missense variant, however the output from this modeling did not meet the statistical confidence thresholds required to predict the impact of this variant on PHEX protein function. In summary, the available evidence is currently insufficient to determine the role of this variant in disease. Therefore, it has been classified as a Variant of Uncertain Significance.